The following is an entry in ClinVar:

ClinVar aggregate classification (germline): Uncertain significance. Review status: criteria provided, multiple submitters, no conflicts (2 of 4 stars). 2 submissions from 2 submitters: Uncertain significance (2). Last evaluated 2025-09-10.

Conditions:
Hereditary cancer-predisposing syndrome. Also called: Tumor predisposition; Hereditary Cancer Syndrome; Neoplastic Syndromes, Hereditary; Hereditary neoplastic syndrome. Identifiers: Orphanet 140162, MedGen C0027672, MeSH D009386, MONDO:0015356.
Familial cancer of breast. Also called: Hereditary breast cancer; BREAST CANCER, FAMILIAL; hereditary breast carcinoma. Identifiers: Orphanet 227535, MedGen C0346153, MONDO:0016419, OMIM 114480. Disease mechanism: loss of function.

Submissions (2):

Labcorp Genetics (formerly Invitae), Labcorp
Classification: Uncertain significance for Familial cancer of breast. Last evaluated: 2025-09-10. Review status: criteria provided, single submitter. Criteria: Invitae Variant Classification Sherloc (09022015). Collection method: clinical testing. Allele origin: germline.
Comment: This sequence change replaces histidine, which is basic and polar, with tyrosine, which is neutral and polar, at codon 87 of the PALB2 protein (p.His87Tyr). This variant is not present in population databases (gnomAD no frequency). This missense change has been observed in individual(s) with breast and/or ovarian cancer (PMID: 35610400). ClinVar contains an entry for this variant (Variation ID: 1793616). An algorithm developed to predict the effect of missense changes on protein structure and function outputs the following: PolyPhen-2: "Benign". The tyrosine amino acid residue is found in multiple mammalian species, which suggests that this missense change does not adversely affect protein function. In summary, the available evidence is currently insufficient to determine the role of this variant in disease. Therefore, it has been classified as a Variant of Uncertain Significance.

Ambry Genetics
Classification: Uncertain significance for Hereditary cancer-predisposing syndrome. Last evaluated: 2019-05-04. Review status: criteria provided, single submitter. Criteria: Ambry Variant Classification Scheme 2023. Collection method: clinical testing. Allele origin: germline.
Comment: The p.H87Y variant (also known as c.259C>T), located in coding exon 4 of the PALB2 gene, results from a C to T substitution at nucleotide position 259. The histidine at codon 87 is replaced by tyrosine, an amino acid with similar properties. This amino acid position is poorly conserved in available vertebrate species. In addition, this alteration is predicted to be tolerated by in silico analysis. Since supporting evidence is limited at this time, the clinical significance of this alteration remains unclear.

Literature cited by the submitters: PubMed 35610400 (cited by Labcorp Genetics (formerly Invitae), Labcorp).

NM_024675.4(PALB2):c.259C>T (p.His87Tyr)

Gene: PALB2 (partner and localizer of BRCA2; minus strand). Cytogenetic location: 16p12.2.
Variant type: single nucleotide variant.
Coding change: c.259C>T on transcript NM_024675.4 (MANE Select); coding-DNA position 259, C replaced by T.
Protein change: p.His87Tyr; replaces histidine 87 with tyrosine.
Molecular consequence: missense variant.
Genome position (GRCh38, 1-based): chr16:23,636,287, G>A on the plus strand (C>T on the coding strand, the complement: PALB2 is on the minus strand). VCF-style: chr16-23636287-G-A. GRCh37 (hg19) VCF-style: chr16-23647608-G-A.
Other names: c.199C>T, p.His67Tyr (NM_001407296.1); c.259C>T, p.His87Tyr (NM_001407297.1, NM_001407298.1, NM_001407299.1 and 3 more transcripts); c.-627C>T (NM_001407304.1, NM_001407305.1, NM_001407306.1 and 5 more transcripts); short protein forms H67Y, H87Y.
Identifiers: ClinVar variation 1793616 (VCV001793616.3), dbSNP rs2506518652, ClinGen allele CA395138885.
Genomic context (GRCh38, chr16:23,636,287, plus strand): 5'-AGGACTCAGGCCCAACATCAAGTGTGATAGATGTCTTTTCTCCAGTTTCTTCATCAAGAT[G>A]GGTTTTGATGTGTAACTTGTCATAAACACATATTTTATTTTTAGGTTCTGAGGAGGAAAA-3'
Protein context (NP_078951.2, residues 77-97): CVYDKLHIKT[His87Tyr]LDEETGEKTS